The following is an entry in ClinVar:

ClinVar aggregate classification (germline): Benign. Review status: criteria provided, multiple submitters, no conflicts (2 of 4 stars). 4 submissions from 4 submitters: Benign (3). 1 of the submissions does not count toward it. Last evaluated 2025-11-09.

Conditions:
Dextro-looped transposition of the great arteries. Also called: Dextrotransposition of the great arteries. Identifiers: Orphanet 860, MedGen C3531771, MONDO:0019443, OMIM 608808, HP:0031348.
MED13L-related disorder. Also called: MED13L-related condition.

Allele frequency attached by ClinVar (database versions not stated): gnomAD exomes 0.00006 and 0.00022; ExAC 0.00029; 1000 Genomes Project 0.00060; 1000 Genomes Project 30x 0.00062; gnomAD 0.00074 and 0.00084; TOPMed 0.00083; ESP Exome Variant Server 0.00108.
gnomAD v4.1: 201 of 1,613,218 alleles (0.012%); highest among the groups gnomAD compares: African/African-American, 0.26%; no homozygotes.

Submissions (4):

Labcorp Genetics (formerly Invitae), Labcorp
Classification: Benign for Dextro-looped transposition of the great arteries. Last evaluated: 2025-11-09. Review status: criteria provided, single submitter. Criteria: Invitae Variant Classification Sherloc (09022015). Collection method: clinical testing. Allele origin: germline.

GeneDx
Classification: Benign. Last evaluated: 2020-11-04. Review status: criteria provided, single submitter. Criteria: GeneDx Variant Classification Process June 2021. Collection method: clinical testing. Allele origin: germline. Affected: yes.

Breakthrough Genomics
Classification: Benign. Review status: criteria provided, single submitter. Criteria: ACMG Guidelines, 2015. Collection method: not provided. Allele origin: germline. Inheritance: Autosomal dominant inheritance. Affected: yes.

PreventionGenetics, part of Exact Sciences
Classification: Likely benign for MED13L-related condition. Last evaluated: 2019-11-26. Review status: no assertion criteria provided. Collection method: clinical testing. Allele origin: germline. Not counted in ClinVar's aggregate classification.
Comment: This variant is classified as likely benign based on ACMG/AMP sequence variant interpretation guidelines (Richards et al. 2015 PMID: 25741868, with internal and published modifications).

NM_015335.5(MED13L):c.1008A>C (p.Leu336=)

Gene: MED13L (mediator complex subunit 13L; minus strand). Cytogenetic location: 12q24.21.
Variant type: single nucleotide variant.
Coding change: c.1008A>C on transcript NM_015335.5 (MANE Select); coding-DNA position 1008, A replaced by C.
Protein change: p.Leu336=; no amino-acid change (leucine 336 retained).
Molecular consequence: synonymous variant.
Genome position (GRCh38, 1-based): chr12:116,019,225, T>G on the plus strand (A>C on the coding strand, the complement: MED13L is on the minus strand). VCF-style: chr12-116019225-T-G. GRCh37 (hg19) VCF-style: chr12-116457030-T-G.
Identifiers: ClinVar variation 696125 (VCV000696125.15), dbSNP rs150782464, ClinGen allele CA6811537.
Genomic context (GRCh38, chr12:116,019,225, plus strand): 5'-GTAGACTATACAATTGTCTGAGATCTCTTCTCCCCAGGACACTCCTGGATCCTACTCACC[T>G]AGGATAGCCTGTTCTGGAGAGGTGGGAGGGGTCAGAGGCATCCCACAGTTACTTGGGTCC-3'
Protein context (NP_056150.1, residues 326-346): TPPTSPEQAI[Leu336=]GESGGMQSAA